The following is an entry in ClinVar:

ClinVar aggregate classification (germline): Uncertain significance (1 of 4 stars; one submission).

Conditions:
Inborn genetic diseases. Identifiers: MedGen C0950123, MeSH D030342.

gnomAD v4.1: 1 of 1,612,712 alleles (0.000062%); no homozygotes.

Submission:

Ambry Genetics
Classification: Uncertain significance for Inborn genetic diseases. Last evaluated: 2025-12-07. Review status: criteria provided, single submitter. Criteria: Ambry Variant Classification Scheme 2023. Collection method: clinical testing. Allele origin: germline.
Comment: The p.L251P variant (also known as c.752T>C), located in coding exon 6 of the G6PC3 gene, results from a T to C substitution at nucleotide position 752. The leucine at codon 251 is replaced by proline, an amino acid with similar properties. This amino acid position is conserved. In addition, this alteration is predicted to be deleterious by in silico analysis. Based on the available evidence, the clinical significance of this variant remains unclear.

NM_138387.4(G6PC3):c.752T>C (p.Leu251Pro)

Gene: G6PC3 (glucose-6-phosphatase catalytic subunit 3; plus strand). Cytogenetic location: 17q21.31.
Variant type: single nucleotide variant.
Coding change: c.752T>C on transcript NM_138387.4 (MANE Select); coding-DNA position 752, T replaced by C.
Protein change: p.Leu251Pro; replaces leucine 251 with proline.
Molecular consequence: missense variant. On other transcripts: 3 prime UTR variant (1).
Genome position (GRCh38, 1-based): chr17:44,075,754, T>C. VCF-style: chr17-44075754-T-C. GRCh37 (hg19) VCF-style: chr17-42153122-T-C.
Other names: c.*45T>C (NM_001319945.2); c.407T>C, p.Leu136Pro (NM_001384165.1, NM_001384166.1, NM_001384167.1 and 1 more transcripts); short protein forms L136P, L251P.
Identifiers: ClinVar variation 4620529 (VCV004620529.1).
Genomic context (GRCh38, chr17:44,075,754, plus strand): 5'-CCTTCAAGTGGTGTGAGCGGCCTGAGTGGATACACGTGGATAGCCGGCCCTTTGCCTCCC[T>C]GAGCCGTGACTCAGGGGCTGCCCTGGGCCTGGGCATTGCCTTGCACTCTCCCTGCTATGC-3'
Protein context (NP_612396.1, residues 241-261): IHVDSRPFAS[Leu251Pro]SRDSGAALGL